The following is an entry in ClinVar:

NM_001099289.3(SH3RF3):c.713G>A (p.Gly238Asp)

Genes: RANBP2 (RAN binding protein 2; plus strand), SH3RF3 (SH3 domain containing ring finger 3; plus strand). Cytogenetic location: 2q13.
Variant type: single nucleotide variant.
Coding change: c.713G>A on transcript NM_001099289.3 (MANE Select); coding-DNA position 713, G replaced by A.
Protein change: p.Gly238Asp; replaces glycine 238 with aspartic acid.
Molecular consequence: missense variant.
Genome position (GRCh38, 1-based): chr2:109,347,813, G>A. VCF-style: chr2-109347813-G-A. GRCh37 (hg19) VCF-style: chr2-109964269-G-A.
Other names: short protein forms G238D.
Identifiers: ClinVar variation 3441125 (VCV003441125.1).

ClinVar aggregate classification (germline): Uncertain significance (1 of 4 stars; one submission).

gnomAD v4.1: 17 of 1,613,830 alleles (0.0011%); highest among the groups gnomAD compares: African/African-American, 0.02%; no homozygotes.

Submission:

Ambry Genetics
Classification: Uncertain significance. Last evaluated: 2024-10-12. Review status: criteria provided, single submitter. Criteria: Ambry Variant Classification Scheme 2023. Collection method: clinical testing. Allele origin: germline.
Comment: The c.713G>A (p.G238D) alteration is located in exon (coding exon ) of the SH3RF3 gene. This alteration results from a G to A substitution at nucleotide position 713, causing the glycine (G) at amino acid position 238 to be replaced by an aspartic acid (D). Based on insufficient or conflicting evidence, the clinical significance of this alteration remains unclear.